The following continues an entry in ClinVar:

NM_017866.6(TMEM70):c.317-2A>G

Gene: TMEM70. ClinVar aggregate classification (germline): Pathogenic/Likely pathogenic. Pathogenic (23); Likely pathogenic (1).

Submissions 14 to 27 of 27:

Centre of Medical Genetics, University Hospital Muenster
Classification: Likely pathogenic. Last evaluated: 2022-09-30. Review status: criteria provided, single submitter. Criteria: ACMG Guidelines, 2015. Collection method: clinical testing. Allele origin: unknown. Affected: yes. Observed: 1 variant allele, 1 homozygote.
Comment: ACMG categories: PVS1,PM2

Institute for Medical Genetics and Human Genetics, Charité - Universitätsmedizin Berlin
Classification: Pathogenic for Mitochondrial complex V (ATP synthase) deficiency, nuclear type 2. Last evaluated: 2022-09-22. Review status: criteria provided, single submitter. Criteria: ACMG Guidelines, 2015. Collection method: clinical testing. Allele origin: germline. Inheritance: Autosomal recessive inheritance. Affected: yes. Observed: 2 homozygotes. Clinical features observed: Premature birth (HP:0001622), Tachypnea (HP:0002789), Lactic acidosis (HP:0003128), Abnormality of the mitochondrion (HP:0012103), Cephalohematoma (HP:0012541).

Institute for Clinical Genetics, University Hospital TU Dresden, University Hospital TU Dresden
Classification: Pathogenic. Last evaluated: 2022-07-19. Review status: criteria provided, single submitter. Criteria: ACMG Guidelines, 2015. Collection method: clinical testing. Allele origin: germline.
Comment: PS4, PP3, PM2_SUP, PVS1_STR

HudsonAlpha Institute for Biotechnology
Classification: Pathogenic for Mitochondrial complex V (ATP synthase) deficiency, nuclear type 2. Last evaluated: 2021-07-27. Review status: criteria provided, single submitter. Criteria: ACMG Guidelines, 2015. Collection method: research. Allele origin: maternal. Affected: yes. Observed: 1 variant allele. Study: CSER-SouthSeq.
Comment: ACMG codes: PVS1; PS3; PS4; PM2; PP1; PP5

Institute of Medical Genetics and Applied Genomics, University Hospital Tübingen
Classification: Pathogenic. Last evaluated: 2020-10-23. Review status: criteria provided, single submitter. Criteria: ACMG Guidelines, 2015. Collection method: clinical testing. Allele origin: germline. Inheritance: Autosomal recessive inheritance. Affected: yes.

Athena Diagnostics
Classification: Pathogenic. Last evaluated: 2020-06-05. Review status: criteria provided, single submitter. Criteria: Athena Diagnostics Criteria. Collection method: clinical testing. Allele origin: unknown.
Comment: This variant is expected to severely impact normal RNA splicing, and consequently, protein structure and/or function. The frequency of this variant in the general population is consistent with pathogenicity. This variant has been detected homozygous or compound heterozygous in multiple individuals with clinical features consistent with this disorder (PMID: 26550569, 24485043, 21815885, 18953340, and 20335238). This variant segregates with disease in multiple families (PMID: 26550569, 24485043, and 18953340).

Centre for Mendelian Genomics, University Medical Centre Ljubljana
Classification: Pathogenic for Mitochondrial complex V (ATP synthase) deficiency, nuclear type 2. Last evaluated: 2018-11-22. Review status: criteria provided, single submitter. Criteria: ACMG Guidelines, 2015. Collection method: clinical testing. Allele origin: unknown. Affected: yes.
Comment: This variant was classified as: Pathogenic. The following ACMG criteria were applied in classifying this variant: PVS1,PM2,PP3,PP5.

Illumina Laboratory Services, Illumina
Classification: Pathogenic for Mitochondrial complex V (ATP synthase) deficiency, nuclear type 2. Last evaluated: 2018-08-22. Review status: criteria provided, single submitter. Criteria: ICSL Variant Classification Criteria 09 May 2019. Collection method: clinical testing. Allele origin: germline.
Comment: The TMEM70 c.317-2A>G variant occurs in a canonical splice site (acceptor) and is therefore predicted to disrupt or distort the normal gene product.Across a selection of available literature, the c.317-2A>G variant has been reported in a homozygous state in 36 probands with mitochondrial complex V (ATP Synthase) deficiency, nuclear type (Cizkova et al. 2008; Tort et al. 2011; Braczynski et al. 2015). Cizkova et al. (2008) further demonstrated segregation of the c.317-2A>G variant in six families, in which all the affected individuals were homozygous, all parents were heterozygous, and unaffected siblings were either wild type or heterozygous for the variant. The c.317-2A>G variant was absent from 101 controls and is reported at a frequency of 0.00035 in the Latino population of the Exome Aggregation Consortium. The c.317-2A>G variant occurs at a canonical splice site and has been shown to result in aberrant splicing and loss of the transcript (Cizkova et al. 2008; Hejzlarova et al. 2011). Functional studies using fibroblasts from probands harboring the c.317-2A>G variant showed a significant deficiency in ATP synthase compared with control cells, and ultrastructural analysis revealed defects in mitochondrial morphology (HavlÃ­ÄkovÃ¡ KarbanovÃ¡ et al. 2012; Braczynski et al. 2015). Based on the collective evidence, the c.317-2A>G variant is classified as pathogenic for mitochondrial complex V (ATP Synthase) deficiency, nuclear type. This variant was observed by ICSL as part of a predisposition screen in an ostensibly healthy population.

Institute of Human Genetics Munich, TUM University Hospital
Classification: Pathogenic for Mitochondrial complex V (ATP synthase) deficiency, nuclear type 2. Last evaluated: 2018-07-30. Review status: criteria provided, single submitter. Criteria: Classification criteria August 2017. Collection method: clinical testing. Allele origin: germline. Inheritance: Autosomal recessive inheritance. Affected: yes. Observed: 2 variant alleles.

Center for Pediatric Genomic Medicine, Children's Mercy Hospital and Clinics
Classification: Pathogenic. Last evaluated: 2017-05-22. Review status: criteria provided, single submitter. Criteria: ACMG Guidelines, 2015. Collection method: clinical testing. Allele origin: germline.

Neuberg Centre For Genomic Medicine, NCGM
Classification: Pathogenic for Mitochondrial complex V (ATP synthase) deficiency, nuclear type 2. Review status: criteria provided, single submitter. Criteria: ACMG Guidelines, 2015. Collection method: clinical testing. Allele origin: germline. Inheritance: Autosomal recessive inheritance. Affected: yes.

OMIM
Classification: Pathogenic for MITOCHONDRIAL COMPLEX V (ATP SYNTHASE) DEFICIENCY, NUCLEAR TYPE 2. Last evaluated: 2014-03-01. Review status: no assertion criteria provided. Collection method: literature only. Allele origin: germline. Not counted in ClinVar's aggregate classification.

Dr. Peter K. Rogan Lab, Western University
No classification provided (evidence only). Condition: Papillary renal cell carcinoma type 1. Review status: no classification provided. Collection method: in vitro. Allele origin: not applicable. Functional consequence: retained intron. Not counted in ClinVar's aggregate classification.

Dr. Peter K. Rogan Lab, Western University
No classification provided (evidence only). Condition: Nonpapillary renal cell carcinoma. Review status: no classification provided. Collection method: in vitro. Allele origin: not applicable. Functional consequence: retained intron. Not counted in ClinVar's aggregate classification.

Literature cited by the submitters: PubMed 18953340 (cited by 6 submitters); PubMed 26550569 (cited by 4 submitters); PubMed 1895334 (cited by Labcorp Genetics (formerly Invitae), Labcorp); PubMed 17576681 (cited by Labcorp Genetics (formerly Invitae), Labcorp); PubMed 9536098 (cited by Labcorp Genetics (formerly Invitae), Labcorp); PubMed 20728387 (cited by Dasa); PubMed 20920610 (cited by Women's Health and Genetics/Laboratory Corporation of America, LabCorp); PubMed 22433607 (cited by Women's Health and Genetics/Laboratory Corporation of America, LabCorp and Illumina Laboratory Services, Illumina); PubMed 20937241 (cited by Women's Health and Genetics/Laboratory Corporation of America, LabCorp and Illumina Laboratory Services, Illumina); PubMed 22986587 (cited by Women's Health and Genetics/Laboratory Corporation of America, LabCorp); PubMed 21815885 (cited by Illumina Laboratory Services, Illumina); PubMed 24485043 (cited by OMIM).